The following is an entry in ClinVar:

NM_003073.5(SMARCB1):c.214dup (p.Thr72fs)

Gene: SMARCB1 (SWI/SNF related BAF chromatin remodeling complex subunit B1; plus strand). Cytogenetic location: 22q11.23.
Variant type: Duplication.
Coding change: c.214dup on transcript NM_003073.5 (MANE Select); coding-DNA position 214, one base duplicated (A; older notation c.214dupA).
Protein change: p.Thr72fs; shifts the reading frame from threonine 72.
Molecular consequence: frameshift variant. On other transcripts: intron variant (2).
Genome position (GRCh38, 1-based): chr22:23,791,876, A duplicated; the last of 7 consecutive A bases (chr22:23,791,870-23,791,876); duplicating any one gives the same sequence. VCF-style (leftmost placement, unchanged base first): chr22-23791869-T-TA. GRCh37 (hg19) VCF-style: chr22-24134056-T-TA.
Other names: c.214dup, p.Thr72fs (NM_001362877.2); c.205+9dup (NM_001317946.2, NM_001007468.3); c.214dupA (NM_003073.3); short protein forms T72fs.
Identifiers: ClinVar variation 2429856 (VCV002429856.6), dbSNP rs2517660810, ClinGen allele CA2580099278.

ClinVar aggregate classification (germline): Conflicting classifications of pathogenicity. Review status: criteria provided, conflicting classifications (1 of 4 stars). 3 submissions from 3 submitters: Pathogenic (2); Likely benign (1). Last evaluated 2025-09-16.

Conditions:
Developmental disorder. Identifiers: MedGen C0008073.
Hereditary cancer-predisposing syndrome. Also called: Neoplastic Syndromes, Hereditary; Hereditary neoplastic syndrome; Hereditary Cancer Syndrome; Tumor predisposition. Identifiers: Orphanet 140162, MedGen C0027672, MeSH D009386, MONDO:0015356.

Submissions (3):

Labcorp Genetics (formerly Invitae), Labcorp
Classification: Pathogenic. Last evaluated: 2025-09-16. Review status: criteria provided, single submitter. Criteria: Invitae Variant Classification Sherloc (09022015). Collection method: clinical testing. Allele origin: germline.
Comment: This sequence change creates a premature translational stop signal (p.Thr72Asnfs*4) in the SMARCB1 gene. It is expected to result in an absent or disrupted protein product. Loss-of-function variants in SMARCB1 are known to be pathogenic (PMID: 10521299, 21208904). This variant is not present in population databases (gnomAD no frequency). This variant has not been reported in the literature in individuals affected with SMARCB1-related conditions. ClinVar contains an entry for this variant (Variation ID: 2429856). For these reasons, this variant has been classified as Pathogenic.

Ambry Genetics
Classification: Pathogenic for Hereditary cancer-predisposing syndrome. Last evaluated: 2025-01-02. Review status: criteria provided, single submitter. Criteria: Ambry Variant Classification Scheme 2023. Collection method: clinical testing. Allele origin: germline.
Comment: The c.214dupA pathogenic mutation, located in coding exon 2 of the SMARCB1 gene, results from a duplication of A at nucleotide position 214, causing a translational frameshift with a predicted alternate stop codon (p.T72Nfs*4). This alteration is expected to result in loss of function by premature protein truncation or nonsense-mediated mRNA decay. Loss-of-function variants in SMARCB1 are known to cause rhabdoid tumor predisposition syndrome; however, such associations with neurodevelopmental disorders are exceedingly rare (Kosho T et al. Am J Med Genet C Semin Med Genet. 2014 Sep;166C(3):262-75; Eaton KW et al. Pediatr Blood Cancer. 2011 Jan;56(1):7-15). Based on the supporting evidence, this alteration is pathogenic for SMARCB1-related tumor predisposition syndrome; however, the association of this alteration with Coffin-Siris syndrome is unlikely.

Department of Genetics, Rouen University Hospital, Normandy Center for Genomic and Personalized Medicine
Classification: Likely benign for Developmental disorder. Last evaluated: 2023-02-09. Review status: criteria provided, single submitter. Criteria: ACMG Guidelines, 2015. Collection method: clinical testing. Allele origin: maternal. Affected: yes.

Literature cited by the submitters: PubMed 10521299 (cited by Labcorp Genetics (formerly Invitae), Labcorp); PubMed 21208904 (cited by Labcorp Genetics (formerly Invitae), Labcorp).